The following is an entry in ClinVar:

ClinVar aggregate classification (germline): Uncertain significance (1 of 4 stars; one submission).

gnomAD v4.1: 1 of 1,614,032 alleles (0.000062%); highest among the groups gnomAD compares: Non-Finnish European, 0.000085%; no homozygotes.

Submission:

Labcorp Genetics (formerly Invitae), Labcorp
Classification: Uncertain significance. Last evaluated: 2025-06-11. Review status: criteria provided, single submitter. Criteria: Invitae Variant Classification Sherloc (09022015). Collection method: clinical testing. Allele origin: germline.
Comment: This sequence change replaces alanine, which is neutral and non-polar, with threonine, which is neutral and polar, at codon 846 of the POLE protein (p.Ala846Thr). This variant is not present in population databases (gnomAD no frequency). This variant has not been reported in the literature in individuals affected with POLE-related conditions. Invitae Evidence Modeling of protein sequence and biophysical properties (such as structural, functional, and spatial information, amino acid conservation, physicochemical variation, residue mobility, and thermodynamic stability) has been performed for this missense variant. However, the output from this modeling did not meet the statistical confidence thresholds required to predict the impact of this variant on POLE protein function. In summary, the available evidence is currently insufficient to determine the role of this variant in disease. Therefore, it has been classified as a Variant of Uncertain Significance.

NM_006231.4(POLE):c.2536G>A (p.Ala846Thr)

Gene: POLE (DNA polymerase epsilon, catalytic subunit; minus strand). Cytogenetic location: 12q24.33.
Variant type: single nucleotide variant.
Coding change: c.2536G>A on transcript NM_006231.4 (MANE Select); coding-DNA position 2536, G replaced by A.
Protein change: p.Ala846Thr; replaces alanine 846 with threonine.
Molecular consequence: missense variant.
Genome position (GRCh38, 1-based): chr12:132,664,395, C>T on the plus strand (G>A on the coding strand, the complement: POLE is on the minus strand). VCF-style: chr12-132664395-C-T. GRCh37 (hg19) VCF-style: chr12-133240981-C-T.
Other names: short protein forms A846T.
Identifiers: ClinVar variation 4713519 (VCV004713519.1).